The following is an entry in ClinVar:

NM_145200.5(CABP4):c.260C>T (p.Ser87Phe)

Gene: CABP4 (calcium binding protein 4; plus strand). Cytogenetic location: 11q13.2.
Variant type: single nucleotide variant.
Coding change: c.260C>T on transcript NM_145200.5 (MANE Select); coding-DNA position 260, C replaced by T.
Protein change: p.Ser87Phe; replaces serine 87 with phenylalanine.
Molecular consequence: missense variant. On other transcripts: 5 prime UTR variant (2), non-coding transcript variant (1), intron variant (1).
Genome position (GRCh38, 1-based): chr11:67,455,683, C>T. VCF-style: chr11-67455683-C-T. GRCh37 (hg19) VCF-style: chr11-67223154-C-T.
Other names: c.-124C>T (NM_001300895.3); c.-138C>T (NM_001379183.1); c.-112-26C>T (NM_001300896.3); short protein forms S87F.
Identifiers: ClinVar variation 1435433 (VCV001435433.8), dbSNP rs768085983, ClinGen allele CA6140116.

ClinVar aggregate classification (germline): Uncertain significance (1 of 4 stars; one submission).

gnomAD v4.1: 3 of 1,607,964 alleles (0.00019%); highest among the groups gnomAD compares: East Asian, 0.0067%; no homozygotes.

Submission:

Labcorp Genetics (formerly Invitae), Labcorp
Classification: Uncertain significance. Last evaluated: 2021-05-26. Review status: criteria provided, single submitter. Criteria: Invitae Variant Classification Sherloc (09022015). Collection method: clinical testing. Allele origin: germline.
Comment: In summary, the available evidence is currently insufficient to determine the role of this variant in disease. Therefore, it has been classified as a Variant of Uncertain Significance. Advanced modeling of protein sequence and biophysical properties (such as structural, functional, and spatial information, amino acid conservation, physicochemical variation, residue mobility, and thermodynamic stability) performed at Invitae indicates that this missense variant is not expected to disrupt CABP4 protein function. This variant has not been reported in the literature in individuals with CABP4-related conditions. This variant is present in population databases (rs768085983, ExAC 0.05%). This sequence change replaces serine with phenylalanine at codon 87 of the CABP4 protein (p.Ser87Phe). The serine residue is weakly conserved and there is a large physicochemical difference between serine and phenylalanine.